The following is an entry in ClinVar:

NM_001298.3(CNGA3):c.1597G>C (p.Asp533His)

Gene: CNGA3 (cyclic nucleotide gated channel subunit alpha 3; plus strand). Cytogenetic location: 2q11.2.
Variant type: single nucleotide variant.
Coding change: c.1597G>C on transcript NM_001298.3 (MANE Select); coding-DNA position 1597, G replaced by C.
Protein change: p.Asp533His; replaces aspartic acid 533 with histidine.
Molecular consequence: missense variant.
Genome position (GRCh38, 1-based): chr2:98,396,767, G>C. VCF-style: chr2-98396767-G-C. GRCh37 (hg19) VCF-style: chr2-99013230-G-C.
Other names: c.1543G>C, p.Asp515His (NM_001079878.2); short protein forms D533H, D515H.
Identifiers: ClinVar variation 282547 (VCV000282547.19), dbSNP rs775332304, ClinGen allele CA1794046.
Genomic context (GRCh38, chr2:98,396,767, plus strand): 5'-GGAGATATTGGGAAGGAGATGTACATCATCAACGAGGGCAAGCTGGCCGTGGTGGCTGAT[G>C]ATGGGGTCACCCAGTTCGTGGTCCTCAGCGATGGCAGCTACTTCGGGGAGATCAGCATTC-3'
Protein context (NP_001289.1, residues 523-543): NEGKLAVVAD[Asp533His]GVTQFVVLSD

ClinVar aggregate classification (germline): Conflicting classifications of pathogenicity. Review status: criteria provided, conflicting classifications (1 of 4 stars). 6 submissions from 6 submitters: Pathogenic (2); Likely pathogenic (3); Uncertain significance (1). Last evaluated 2025-07-02.

Conditions:
CNGA3-related disorders.
CNGA3-related disorder. Also called: CNGA3-related condition.
Achromatopsia 2 (ACHM2). Also called: COLORBLINDNESS, TOTAL; ROD MONOCHROMACY 2; ROD MONOCHROMATISM 2. Identifiers: Orphanet 49382, MedGen C1857618, MONDO:0009003, OMIM 216900.

gnomAD v4.1: 2 of 1,614,232 alleles (0.00012%); highest among the groups gnomAD compares: Admixed American, 0.0017%; no homozygotes.

Submissions (6):

PreventionGenetics, part of Exact Sciences
Classification: Likely pathogenic for CNGA3-related condition. Last evaluated: 2025-07-02. Review status: criteria provided, single submitter. Criteria: ACMG Guidelines, 2015. Collection method: clinical testing. Allele origin: germline.
Comment: The CNGA3 c.1597G>C variant is predicted to result in the amino acid substitution p.Asp533His. This variant is reported in 0.0033% of alleles in individuals of South Asian descent in gnomAD. Functional studies reveal that this variant disrupts protein function (Supplemental Table 3, Solaki et al. 2023. PubMed ID: 37689994). This variant is interpreted as likely pathogenic.

Fulgent Genetics
Classification: Likely pathogenic for Achromatopsia 2. Last evaluated: 2024-05-17. Review status: criteria provided, single submitter. Criteria: ACMG Guidelines, 2015. Collection method: clinical testing. Allele origin: germline.

Women's Health and Genetics/Laboratory Corporation of America, LabCorp
Classification: Likely pathogenic for Achromatopsia 2. Last evaluated: 2024-05-13. Review status: criteria provided, single submitter. Criteria: LabCorp Variant Classification Summary - May 2015. Collection method: clinical testing. Allele origin: germline.
Comment: Variant summary: CNGA3 c.1597G>C (p.Asp533His) results in a non-conservative amino acid change located in the Cyclic nucleotide-binding domain (IPR000595) of the encoded protein sequence. Five of five in-silico tools predict a damaging effect of the variant on protein function. The variant allele was found at a frequency of 8e-06 in 251220 control chromosomes. c.1597G>C has been reported in the literature in at least 1 individual affected with cone-rod dystrophy (example, Sun_2020). These data indicate that the variant may be associated with disease. At least one publication reports experimental evidence demonstrating this variant was associated with complete loss of channel activity (example, Solaki_2023). The following publications have been ascertained in the context of this evaluation (PMID: 37689994, 32913385). ClinVar contains an entry for this variant (Variation ID: 282547). Based on the evidence outlined above, the variant was classified as likely pathogenic.

Labcorp Genetics (formerly Invitae), Labcorp
Classification: Pathogenic. Last evaluated: 2024-04-25. Review status: criteria provided, single submitter. Criteria: Invitae Variant Classification Sherloc (09022015). Collection method: clinical testing. Allele origin: germline.
Comment: This sequence change replaces aspartic acid, which is acidic and polar, with histidine, which is basic and polar, at codon 533 of the CNGA3 protein (p.Asp533His). This variant is present in population databases (rs775332304, gnomAD 0.003%). This missense change has been observed in individual(s) with clinical features of cone-rod dystrophy (PMID: 24903488; Invitae). In at least one individual the data is consistent with being in trans (on the opposite chromosome) from a pathogenic variant. ClinVar contains an entry for this variant (Variation ID: 282547). Advanced modeling of protein sequence and biophysical properties (such as structural, functional, and spatial information, amino acid conservation, physicochemical variation, residue mobility, and thermodynamic stability) performed at Invitae indicates that this missense variant is expected to disrupt CNGA3 protein function with a positive predictive value of 95%. For these reasons, this variant has been classified as Pathogenic.

Blueprint Genetics
Classification: Pathogenic for CNGA3-related disorders. Last evaluated: 2022-07-07. Review status: criteria provided, single submitter. Criteria: ACMG Guidelines, 2015. Collection method: clinical testing. Allele origin: germline. Affected: yes. Observed: 5 variant alleles.

Eurofins Ntd Llc (ga)
Classification: Uncertain significance. Last evaluated: 2018-03-12. Review status: criteria provided, single submitter. Criteria: EGL ClinVar v180209 classification definitions. Collection method: clinical testing. Allele origin: germline. Observed: 2 variant alleles, 1 heterozygote, 1 homozygote.

Literature cited by the submitters: PubMed 32913385 (cited by Women's Health and Genetics/Laboratory Corporation of America, LabCorp); PubMed 37689994 (cited by Women's Health and Genetics/Laboratory Corporation of America, LabCorp); PubMed 24903488 (cited by Labcorp Genetics (formerly Invitae), Labcorp).